The following is an entry in ClinVar:

NM_003356.4(UCP3):c.162G>A (p.Arg54=)

Gene: UCP3 (uncoupling protein 3; minus strand). Cytogenetic location: 11q13.4.
Variant type: single nucleotide variant.
Coding change: c.162G>A on transcript NM_003356.4 (MANE Select); coding-DNA position 162, G replaced by A.
Protein change: p.Arg54=; no amino-acid change (arginine 54 retained).
Molecular consequence: synonymous variant.
Genome position (GRCh38, 1-based): chr11:74,006,344, C>T on the plus strand (G>A on the coding strand, the complement: UCP3 is on the minus strand). VCF-style: chr11-74006344-C-T. GRCh37 (hg19) VCF-style: chr11-73717389-C-T.
Other names: c.162G>A, p.Arg54= (NM_022803.3).
Identifiers: ClinVar variation 3355358 (VCV003355358.1).

ClinVar aggregate classification (germline): Likely benign (0 of 4 stars; one submission).

Conditions:
UCP3-related disorder. Also called: UCP3-related condition.

Submission:

PreventionGenetics, part of Exact Sciences
Classification: Likely benign for UCP3-related condition. Last evaluated: 2024-03-13. Review status: no assertion criteria provided. Collection method: clinical testing. Allele origin: germline.
Comment: This variant is classified as likely benign based on ACMG/AMP sequence variant interpretation guidelines (Richards et al. 2015 PMID: 25741868, with internal and published modifications).